The following is an entry in ClinVar:

ClinVar aggregate classification (germline): Uncertain significance (1 of 4 stars; one submission).

Conditions:
Developmental and epileptic encephalopathy, 8 (DEE8). Also called: HYPEREKPLEXIA AND EPILEPSY. Identifiers: Orphanet 163985, Orphanet 2076, MedGen C1845102, MONDO:0010375, OMIM 300607.

Allele frequency attached by ClinVar (database versions not stated): gnomAD exomes below 0.00001.
gnomAD v4.1: 1 of 1,207,092 alleles (0.000083%); highest among the groups gnomAD compares: Non-Finnish European, 0.00011%; no homozygotes.

Submission:

Labcorp Genetics (formerly Invitae), Labcorp
Classification: Uncertain significance for Developmental and epileptic encephalopathy, 8. Last evaluated: 2020-04-17. Review status: criteria provided, single submitter. Criteria: Invitae Variant Classification Sherloc (09022015). Collection method: clinical testing. Allele origin: germline.
Comment: In summary, the available evidence is currently insufficient to determine the role of this variant in disease. Therefore, it has been classified as a Variant of Uncertain Significance. Algorithms developed to predict the effect of sequence changes on RNA splicing suggest that this variant may create or strengthen a splice site, but this prediction has not been confirmed by published transcriptional studies. Algorithms developed to predict the effect of missense changes on protein structure and function are either unavailable or do not agree on the potential impact of this missense change (SIFT: "Deleterious"; PolyPhen-2: "Benign"; Align-GVGD: "Class C25"). This variant has not been reported in the literature in individuals with ARHGEF9-related conditions. This variant is not present in population databases (ExAC no frequency). This sequence change replaces glutamine with glutamic acid at codon 98 of the ARHGEF9 protein (p.Gln98Glu). The glutamine residue is highly conserved and there is a small physicochemical difference between glutamine and glutamic acid.

NM_001353921.2(ARHGEF9):c.313C>G (p.Gln105Glu)

Gene: ARHGEF9 (Cdc42 guanine nucleotide exchange factor 9; minus strand). Cytogenetic location: Xq11.1.
Variant type: single nucleotide variant.
Coding change: c.313C>G on transcript NM_001353921.2 (MANE Select); coding-DNA position 313, C replaced by G.
Protein change: p.Gln105Glu; replaces glutamine 105 with glutamic acid.
Molecular consequence: missense variant. On other transcripts: 5 prime UTR variant (3).
Genome position (GRCh38, 1-based): chrX:63,706,347, G>C on the plus strand (C>G on the coding strand, the complement: ARHGEF9 is on the minus strand). VCF-style: chrX-63706347-G-C. GRCh37 (hg19) VCF-style: chrX-62926227-G-C.
Other names: c.133C>G, p.Gln45Glu (NM_001173479.2); c.-15C>G (NM_001173480.2, NM_001369042.1); c.229C>G, p.Gln77Glu (NM_001330495.2, NM_001353927.2, NM_001369033.1 and 8 more transcripts); c.313C>G, p.Gln105Glu (NM_001353922.2); c.331C>G, p.Gln111Glu (NM_001353923.1); c.112C>G, p.Gln38Glu (NM_001353924.2, NM_001353926.2, NM_001369039.1 and 1 more transcripts); c.292C>G, p.Gln98Glu (NM_001353928.2, NM_001369030.1, NM_001369031.1 and 2 more transcripts); c.-391C>G (NM_001369045.1); short protein forms Q105E, Q111E, Q38E, Q45E, Q77E, Q98E.
Identifiers: ClinVar variation 1024014 (VCV001024014.11), dbSNP rs2052542875, ClinGen allele CA413402039.